The following is an entry in ClinVar:

ClinVar aggregate classification (germline): Pathogenic/Likely pathogenic. Review status: criteria provided, multiple submitters, no conflicts (2 of 4 stars). 7 submissions from 7 submitters: Pathogenic (4); Likely pathogenic (3). Last evaluated 2026-02-01.

Conditions:
Cardiac arrhythmia. Also called: Cardiac rhythm disease; Arrhythmia. Identifiers: MedGen C0003811, MONDO:0007263, HP:0011675.
Long QT syndrome (LQTS). Identifiers: MedGen C0023976, MeSH D008133, MONDO:0002442. Disease mechanism: loss of function. Inheritance: Various modes of inheritance.
Long QT syndrome 1 (LQT1). Identifiers: Orphanet 101016, Orphanet 768, MedGen C4551647, MONDO:0100316, OMIM 192500, MONDO:0008646.

Submissions (7):

CeGaT Center for Human Genetics Tuebingen
Classification: Pathogenic. Last evaluated: 2026-02-01. Review status: criteria provided, single submitter. Criteria: CeGaT Center For Human Genetics Tuebingen Variant Classification Criteria Version 2. Collection method: clinical testing. Allele origin: germline. Affected: yes. Observed: 1 variant allele.
Comment: KCNQ1: PS4, PVS1:Strong, PM2

Women's Health and Genetics/Laboratory Corporation of America, LabCorp
Classification: Pathogenic for Long QT syndrome. Last evaluated: 2026-01-15. Review status: criteria provided, single submitter. Criteria: LabCorp Variant Classification Summary - May 2015. Collection method: clinical testing. Allele origin: germline.
Comment: Variant summary: KCNQ1 c.1893delC (p.Arg632GlufsX34) results in a premature termination codon, and although it is not predicted to undergo nonsense mediated decay, it is expected to cause a truncation of the encoded protein, which is a commonly known mechanism for disease. The variant allele was found at a frequency of 7e-06 in 1574920 control chromosomes. This frequency is not significantly higher than estimated for disease-causing variants in KCNQ1, allowing no conclusion about variant significance. c.1893delC has been observed in individuals affected with Long QT Syndrome (LQTS), including two compound heterozygous siblings with early onset LQTS, but no hearing loss (e.g. Napolitano_2005, Sato_2009, Egashira_2012). These data indicate that the variant is likely to be associated with disease. At least two publications report experimental evidence evaluating an impact on protein function. Both found that the variant significantly impaired normal channel activity and that the variant was retained within the cell, resulting in <10% of normal cell surface expression (e.g. Sato_2009, Egashira_2012). The following publications have been ascertained in the context of this evaluation (PMID: 22739119, 16414944, 19825999). ClinVar contains an entry for this variant (Variation ID: 53026). Based on the evidence outlined above, the variant was classified as pathogenic.

GeneDx
Classification: Likely pathogenic. Last evaluated: 2025-12-29. Review status: criteria provided, single submitter. Criteria: GeneDx Variant Classification Process June 2021. Collection method: clinical testing. Allele origin: germline. Affected: yes.
Comment: Identified in patients with Long QT syndrome referred for genetic testing at GeneDx and in published literature (PMID: 22739119, 16414944, 26669661); Published functional studies using iPSCs and HEK293 cells suggest that this variant has a dominant negative effect due to a trafficking deficiency (PMID: 22739119); Frameshift variant predicted to result in abnormal protein length as the last 45 amino acids are replaced with 33 different amino acids, and other similar variants have been reported in HGMD; This variant is associated with the following publications: (PMID: 19825999, 16414944, 27026928, 27110425, 26669661, 30609406, 24657289, 27009425, 23444871, 29976690, 32231684, 22739119, 34691145)

Labcorp Genetics (formerly Invitae), Labcorp
Classification: Pathogenic for Long QT syndrome. Last evaluated: 2025-10-19. Review status: criteria provided, single submitter. Criteria: Invitae Variant Classification Sherloc (09022015). Collection method: clinical testing. Allele origin: germline.
Comment: This sequence change creates a premature translational stop signal (p.Arg632Glufs*34) in the KCNQ1 gene. It is expected to result in an absent or disrupted protein product. Loss-of-function variants in KCNQ1 are known to be pathogenic (PMID: 9323054, 19862833). The frequency data for this variant in the population databases is considered unreliable, as metrics indicate poor data quality at this position in the gnomAD database. This premature translational stop signal has been observed in individual(s) with long QT syndrome (PMID: 16414944, 22739119). It has also been observed to segregate with disease in related individuals. ClinVar contains an entry for this variant (Variation ID: 53026). For these reasons, this variant has been classified as Pathogenic.

All of Us Research Program, National Institutes of Health
Classification: Likely pathogenic for Long QT syndrome. Last evaluated: 2023-08-23. Review status: criteria provided, single submitter. Criteria: ACMG Guidelines, 2015. Collection method: clinical testing. Allele origin: germline. Inheritance: Autosomal dominant inheritance. Observed: 1 variant allele, 1 heterozygote.
Comment: This variant deletes a single nucleotide in the last exon 16 of the KCNQ1 gene, creating a frameshift at codon 632 followed by addition of 33 new amino acids and a stop codon. As a result, this variant alters the cytoplasmic C-terminal region of the KCNQ1 protein. An experimental functional study has shown that in transfected cells, the mutant protein carrying this variant has a dominant-negative effect on the channel function due to a trafficking deficiency (PMID: 22739119). This variant has been reported in 2 or more individuals affected with long QT syndrome (PMID: 16414944, 22739119). This variant has not been identified in the general population by the Genome Aggregation Database (gnomAD). Based on available evidence, this variant is classified as Likely Pathogenic.

This study involves interpretation of variants in research participants for the purpose of population health screening. Participant phenotype was not available at the time of variant classification. Additional details can be found in publication PMID: 35346344, PMCID: PMC8962531

Color Diagnostics, LLC DBA Color Health
Classification: Likely pathogenic for Cardiac arrhythmia. Last evaluated: 2023-06-29. Review status: criteria provided, single submitter. Criteria: ACMG Guidelines, 2015. Collection method: clinical testing. Allele origin: germline.
Comment: This variant deletes a single nucleotide in the last exon 16 of the KCNQ1 gene, creating a frameshift at codon 632 followed by addition of 33 new amino acids and a stop codon. As a result, this variant alters the cytoplasmic C-terminal region of the KCNQ1 protein. An experimental functional study has shown that in transfected cells, the mutant protein carrying this variant has a dominant-negative effect on the channel function due to a trafficking deficiency (PMID: 22739119). This variant has been reported in 2 or more individuals affected with long QT syndrome (PMID: 16414944, 22739119). This variant has not been identified in the general population by the Genome Aggregation Database (gnomAD). Based on available evidence, this variant is classified as Likely Pathogenic.

Neuberg Centre For Genomic Medicine, NCGM
Classification: Pathogenic for Long QT syndrome 1. Review status: criteria provided, single submitter. Criteria: ACMG Guidelines, 2015. Collection method: clinical testing. Allele origin: germline. Inheritance: Autosomal dominant inheritance. Affected: yes.
Comment: The frameshift variant c.1893del(p.Arg632GlufsTer34) in the KCNQ1 gene has been reported previously in a heterozygous state in individuals affected with Long QT syndrome. An experimental functional study has shown that in transfected cells, the mutant protein carrying this variant has a dominant-negative effect on the channel function due to a trafficking deficiency (Egashira et al., 2012; Napolitano et al., 2005). This variant is reported with the allele frequency (0.004%) in the gnomAD Exomes. This variant causes a frameshift starting with codon Arginine 632, changes this amino acid to Glutamic Acid residue, and creates a premature Stop codon at position 34 of the new reading frame. It is submitted to ClinVar as Pathogenic/ Likely pathogenic. This variant is predicted to cause loss of normal protein function through protein truncation. Loss of function variants have been previously reported to be disease causing. For these reasons, this variant has been classified as Pathogenic.

Literature cited by the submitters: PubMed 16414944 (cited by 4 submitters); PubMed 22739119 (cited by 4 submitters); PubMed 19825999 (cited by Women's Health and Genetics/Laboratory Corporation of America, LabCorp); PubMed 9323054 (cited by Labcorp Genetics (formerly Invitae), Labcorp); PubMed 19862833 (cited by Labcorp Genetics (formerly Invitae), Labcorp).

NM_000218.3(KCNQ1):c.1893del (p.Arg632fs)

Genes: KCNQ1 (potassium voltage-gated channel subfamily Q member 1; plus strand), KCNQ1-AS1 (KCNQ1 antisense RNA 1; minus strand). Cytogenetic location: 11p15.4.
Variant type: Deletion.
Coding change: c.1893del on transcript NM_000218.3 (MANE Select); coding-DNA position 1893, one base deleted (C; older notation c.1893delC).
Protein change: p.Arg632fs; shifts the reading frame from arginine 632.
Molecular consequence: frameshift variant.
Genome position (GRCh38, 1-based): chr11:2,847,865, C deleted; the last of 7 consecutive C bases (chr11:2,847,859-2,847,865); deleting any one gives the same sequence. VCF-style (leftmost placement, unchanged base first): chr11-2847858-GC-G. GRCh37 (hg19) VCF-style: chr11-2869088-GC-G.
Other names: c.1893delC, p.Arg632Glufs (NM_000218.2); c.1797delC, p.Arg600Glufs (NM_001406836.1); c.1623delC, p.Arg542Glufs (NM_001406837.1); c.1353delC, p.Arg452Glufs (NM_001406838.1); c.405delC, p.Arg136Glufs (NM_001406839.1); c.1512delC, p.Arg505Glufs (NM_181798.2); c.1893delC (NM_000218.3); short protein forms R632fs, R505fs.
Identifiers: ClinVar variation 53026 (VCV000053026.27), dbSNP rs397508104, ClinGen allele CA006577.
Genomic context (GRCh38, chr11:2,847,858, plus strand): 5'-TCACCGACATGCTTCACCAGCTGCTCTCCTTGCACGGTGGCAGCACCCCCGGCAGCGGCG[GC>G]CCCCCCAGAGAGGGCGGGGCCCACATCACCCAGCCCTGCGGCAGTGGCGGCTCCGTCGAC-3'